The following is an entry in ClinVar:

NM_022336.4(EDAR):c.1270G>A (p.Val424Met)

Genes: EDAR (ectodysplasin A receptor; minus strand), RANBP2 (RAN binding protein 2; plus strand). Cytogenetic location: 2q13.
Variant type: single nucleotide variant.
Coding change: c.1270G>A on transcript NM_022336.4 (MANE Select); coding-DNA position 1270, G replaced by A.
Protein change: p.Val424Met; replaces valine 424 with methionine.
Molecular consequence: missense variant.
Genome position (GRCh38, 1-based): chr2:108,896,984, C>T on the plus strand (G>A on the coding strand, the complement: EDAR is on the minus strand). VCF-style: chr2-108896984-C-T. GRCh37 (hg19) VCF-style: chr2-109513440-C-T.
Other names: short protein forms V424M.
Identifiers: ClinVar variation 1019176 (VCV001019176.12), dbSNP rs1696609331, ClinGen allele CA348047707.

ClinVar aggregate classification (germline): Uncertain significance. Review status: criteria provided, single submitter (1 of 4 stars). 2 submissions from 2 submitters: Uncertain significance (1). 1 of the submissions does not count toward it. Last evaluated 2020-09-04.

Conditions:
Oligodontia. Identifiers: MedGen C4082304, HP:0000677.
Autosomal recessive hypohidrotic ectodermal dysplasia syndrome. Also called: Autosomal recessive hypohidrotic ectodermal dysplasia. Identifiers: Orphanet 248, MedGen C0406702, MONDO:0016619.
Ectodermal dysplasia 10A, hypohidrotic/hair/nail type, autosomal dominant (ECTD10A). Also called: Ectodermal Dysplasia 3, Anhidrotic. Identifiers: Orphanet 1810, Orphanet 238468, MedGen C3888065, MONDO:0007509, OMIM 129490.

Submissions (2):

Labcorp Genetics (formerly Invitae), Labcorp
Classification: Uncertain significance for Ectodermal dysplasia 10A, hypohidrotic/hair/nail type, autosomal dominant; Autosomal recessive hypohidrotic ectodermal dysplasia syndrome. Last evaluated: 2020-09-04. Review status: criteria provided, single submitter. Criteria: Invitae Variant Classification Sherloc (09022015). Collection method: clinical testing. Allele origin: germline.
Comment: This sequence change replaces valine with methionine at codon 424 of the EDAR protein (p.Val424Met). The valine residue is highly conserved and there is a small physicochemical difference between valine and methionine. This variant is not present in population databases (ExAC no frequency). This variant has been observed in individual(s) with clinical features of ectodermal dysplasia (PMID: 28265457). Algorithms developed to predict the effect of missense changes on protein structure and function are either unavailable or do not agree on the potential impact of this missense change (SIFT: "Deleterious"; PolyPhen-2: "Probably Damaging"; Align-GVGD: "Class C15"). In summary, the available evidence is currently insufficient to determine the role of this variant in disease. Therefore, it has been classified as a Variant of Uncertain Significance.

Dental Genetics Laboratory, Seoul National University School of Dentistry
Classification: Pathogenic for oligodontia. Review status: no assertion criteria provided. Collection method: clinical testing. Allele origin: paternal. Inheritance: Autosomal recessive inheritance. Affected: yes. Not counted in ClinVar's aggregate classification.
Comment: variation affecting protein function luciferase assay showed reduced function

Literature cited by the submitters: PubMed 28265457 (cited by Labcorp Genetics (formerly Invitae), Labcorp).